The following is an entry in ClinVar:

NM_006493.4(CLN5):c.78G>A (p.Trp26Ter)

Genes: CLN5 (CLN5 lysosomal BMP synthase; plus strand), LOC130009913 (ATAC-STARR-seq lymphoblastoid silent region 5414; plus strand). Cytogenetic location: 13q22.3.
Variant type: single nucleotide variant.
Coding change: c.78G>A on transcript NM_006493.4 (MANE Select); coding-DNA position 78, G replaced by A.
Protein change: p.Trp26Ter; replaces tryptophan 26 with a stop codon.
Molecular consequence: nonsense.
Genome position (GRCh38, 1-based): chr13:76,992,176, G>A. VCF-style: chr13-76992176-G-A. GRCh37 (hg19) VCF-style: chr13-77566311-G-A.
Other names: W75*; c.225G>A, p.Trp75Ter (LRG_692t1); c.78G>A, p.Trp26Ter (NM_001366624.2); short protein forms W26*.
Identifiers: ClinVar variation 2565 (VCV000002565.19), dbSNP rs104894385, ClinGen allele CA340000.
Genomic context (GRCh38, chr13:76,992,176, plus strand): 5'-CACGGCACAGGGCGCCGAGATGCGGCGGGGCGCGGGCGCGGCTCGGGGACGCGCTTCCTG[G>A]TGCTGGGCCCTGGCGCTGCTTTGGCTCGCGGTGGTTCCGGGCTGGTCCCGGGTCTCGGGC-3'

ClinVar aggregate classification (germline): Pathogenic/Likely pathogenic. Review status: criteria provided, multiple submitters, no conflicts (2 of 4 stars). 7 submissions from 7 submitters: Pathogenic (2); Likely pathogenic (1). 4 of the submissions do not count toward it. Last evaluated 2023-12-27.

Conditions:
CLN5-related disorder. Also called: CLN5-related condition.
Neuronal ceroid lipofuscinosis. Also called: Neuronal Ceroid Lipofuscinoses. Identifiers: Orphanet 216, Orphanet 79263, MedGen C0027877, MONDO:0016295. Disease mechanism: loss of function.
Neuronal ceroid lipofuscinosis 5 (CLN5). Also called: CEROID LIPOFUSCINOSIS, NEURONAL, 5, VARIABLE AGE AT ONSET; CLN5-Related Neuronal Ceroid-Lipofuscinosis; Neuronal ceroid lipofuscinosis Finnish variant; NEURONAL CEROID LIPOFUSCINOSIS, LATE INFANTILE, FINNISH VARIANT. Identifiers: Orphanet 168491, Orphanet 228360, MedGen C1850442, MONDO:0009745, OMIM 256731.

Submissions (7):

Labcorp Genetics (formerly Invitae), Labcorp
Classification: Pathogenic for Neuronal ceroid lipofuscinosis. Last evaluated: 2023-12-27. Review status: criteria provided, single submitter. Criteria: Invitae Variant Classification Sherloc (09022015). Collection method: clinical testing. Allele origin: germline.
Comment: This sequence change creates a premature translational stop signal (p.Trp75*) in the CLN5 gene. It is expected to result in an absent or disrupted protein product. Loss-of-function variants in CLN5 are known to be pathogenic (PMID: 20157158). This variant is present in population databases (rs104894385, gnomAD 0.006%). This premature translational stop signal has been observed in individual(s) with late infantile neuronal ceroid lipofuscinosis, and a CLN5-related condition (PMID: 9662406; Invitae). In at least one individual the data is consistent with being in trans (on the opposite chromosome) from a pathogenic variant. ClinVar contains an entry for this variant (Variation ID: 2565). For these reasons, this variant has been classified as Pathogenic.

Blueprint Genetics
Classification: Likely pathogenic for CLN5-related disorders. Last evaluated: 2022-12-15. Review status: criteria provided, single submitter. Criteria: ACMG Guidelines, 2015. Collection method: clinical testing. Allele origin: germline. Affected: yes. Observed: 1 variant allele.

Genome-Nilou Lab
Classification: Pathogenic for Neuronal ceroid lipofuscinosis 5. Last evaluated: 2021-08-10. Review status: criteria provided, single submitter. Criteria: ACMG Guidelines, 2015. Collection method: clinical testing. Allele origin: germline. Affected: no.

Natera, Inc.
Classification: Pathogenic for Neuronal ceroid lipofuscinosis. Last evaluated: 2021-01-09. Review status: no assertion criteria provided. Collection method: clinical testing. Allele origin: germline. Not counted in ClinVar's aggregate classification.

Counsyl
Classification: Pathogenic for Neuronal ceroid lipofuscinosis 5. Last evaluated: 2017-08-17. Review status: no assertion criteria provided. Collection method: clinical testing. Allele origin: unknown. Not counted in ClinVar's aggregate classification.

OMIM
Classification: Pathogenic for CEROID LIPOFUSCINOSIS, NEURONAL, 5. Last evaluated: 1998-07-01. Review status: no assertion criteria provided. Collection method: literature only. Allele origin: germline. Not counted in ClinVar's aggregate classification.

GeneReviews
No classification provided. Condition: Neuronal ceroid lipofuscinosis 5. Review status: no classification provided. Collection method: literature only. Allele origin: unknown. Not counted in ClinVar's aggregate classification.

Literature cited by the submitters: PubMed 20157158 (cited by Labcorp Genetics (formerly Invitae), Labcorp); PubMed 9662406 (cited by Labcorp Genetics (formerly Invitae), Labcorp and OMIM); PubMed 10953198 (cited by Counsyl); PubMed 12134079 (cited by Counsyl); PubMed 20301601 (cited by GeneReviews); NCBI Bookshelf NBK1428 (cited by GeneReviews).